The following is an entry in ClinVar:

NM_001103.4(ACTN2):c.64C>T (p.Gln22Ter)

Gene: ACTN2 (actinin alpha 2; plus strand). Cytogenetic location: 1q43.
Variant type: single nucleotide variant.
Coding change: c.64C>T on transcript NM_001103.4 (MANE Select); coding-DNA position 64, C replaced by T.
Protein change: p.Gln22Ter; replaces glutamine 22 with a stop codon.
Molecular consequence: nonsense. On other transcripts: 5 prime UTR variant (1).
Genome position (GRCh38, 1-based): chr1:236,686,737, C>T. VCF-style: chr1-236686737-C-T. GRCh37 (hg19) VCF-style: chr1-236850037-C-T.
Other names: c.64C>T, p.Gln22Ter (NM_001278343.2); c.-758C>T (NM_001278344.2); short protein forms Q22*.
Identifiers: ClinVar variation 463213 (VCV000463213.7), dbSNP rs1553295414, ClinGen allele CA345358257.

ClinVar aggregate classification (germline): Uncertain significance (1 of 4 stars; one submission).

Conditions:
Dilated cardiomyopathy 1AA (CMD1AA). Also called: Cardiomyopathy, dilated, 1AA, with or without LVNC; CARDIOMYOPATHY, DILATED, 1AA, WITH OR WITHOUT LEFT VENTRICULAR NONCOMPACTION; CARDIOMYOPATHY, FAMILIAL HYPERTROPHIC, 23, WITH OR WITHOUT LEFT VENTRICULAR NONCOMPACTION. Identifiers: Orphanet 154, MedGen C2677338, MONDO:0012808, OMIM 612158.
Primary familial hypertrophic cardiomyopathy (HCM). Identifiers: Orphanet 99739, MedGen C0949658, MeSH D024741, MONDO:0024573. Inheritance: Various modes of inheritance.

Submission:

Labcorp Genetics (formerly Invitae), Labcorp
Classification: Uncertain significance for Primary familial hypertrophic cardiomyopathy; Dilated cardiomyopathy 1AA. Last evaluated: 2021-11-17. Review status: criteria provided, single submitter. Criteria: Invitae Variant Classification Sherloc (09022015). Collection method: clinical testing. Allele origin: germline.
Comment: In summary, the available evidence is currently insufficient to determine the role of this variant in disease. Therefore, it has been classified as a Variant of Uncertain Significance. ClinVar contains an entry for this variant (Variation ID: 463213). This variant has not been reported in the literature in individuals affected with ACTN2-related conditions. This variant is not present in population databases (gnomAD no frequency). This sequence change creates a premature translational stop signal (p.Gln22*) in the ACTN2 gene. It is expected to result in an absent or disrupted protein product. However, the current clinical and genetic evidence is not sufficient to establish whether loss-of-function variants in ACTN2 cause disease.